The following is an entry in ClinVar:

NM_001379291.1(BRD4):c.898A>G (p.Ile300Val)

Gene: BRD4 (bromodomain containing 4; minus strand). Cytogenetic location: 19p13.12.
Variant type: single nucleotide variant.
Coding change: c.898A>G on transcript NM_001379291.1 (MANE Select); coding-DNA position 898, A replaced by G.
Protein change: p.Ile300Val; replaces isoleucine 300 with valine.
Molecular consequence: missense variant.
Genome position (GRCh38, 1-based): chr19:15,264,718, T>C on the plus strand (A>G on the coding strand, the complement: BRD4 is on the minus strand). VCF-style: chr19-15264718-T-C. GRCh37 (hg19) VCF-style: chr19-15375529-T-C.
Other names: c.898A>G, p.Ile300Val (NM_001330384.2, NM_001379292.1, NM_014299.3 and 1 more transcripts); short protein forms I300V.
Identifiers: ClinVar variation 978095 (VCV000978095.7), dbSNP rs200397485, ClinGen allele CA9265498.
Genomic context (GRCh38, chr19:15,264,718, plus strand): 5'-GGCCCAGCTTGGTGGTCTTGGGCTCCGGGGGCAGCGAGGGTGGCTCGTGAATGGGGTCAA[T>C]GGTGGTGGGGGTGGTGGTGTCTGCTTTCCTCTTCACTCCCTTCTTTGTCTGCCAAGAACA-3'
Protein context (NP_001366220.1, residues 290-310): RKADTTTPTT[Ile300Val]DPIHEPPSLP

ClinVar aggregate classification (germline): Uncertain significance. Review status: criteria provided, multiple submitters, no conflicts (2 of 4 stars). 3 submissions from 3 submitters: Uncertain significance (3). Last evaluated 2025-11-03.

Conditions:
Inborn genetic diseases. Identifiers: MedGen C0950123, MeSH D030342.

Allele frequency attached by ClinVar (database versions not stated): gnomAD exomes 0.00001 and 0.00003; ExAC 0.00003; gnomAD 0.00008 and 0.00009; TOPMed 0.00015; 1000 Genomes Project 0.00020; 1000 Genomes Project 30x 0.00031.
gnomAD v4.1: 30 of 1,612,694 alleles (0.0019%); highest among the groups gnomAD compares: Admixed American, 0.032%; no homozygotes.

Submissions (3):

Labcorp Genetics (formerly Invitae), Labcorp
Classification: Uncertain significance. Last evaluated: 2025-11-03. Review status: criteria provided, single submitter. Criteria: Invitae Variant Classification Sherloc (09022015). Collection method: clinical testing. Allele origin: germline.
Comment: This sequence change replaces isoleucine, which is neutral and non-polar, with valine, which is neutral and non-polar, at codon 300 of the BRD4 protein (p.Ile300Val). This variant is present in population databases (rs200397485, gnomAD 0.01%). This variant has not been reported in the literature in individuals affected with BRD4-related conditions. ClinVar contains an entry for this variant (Variation ID: 978095). An algorithm developed to predict the effect of missense changes on protein structure and function (PolyPhen-2) suggests that this variant is likely to be tolerated. In summary, the available evidence is currently insufficient to determine the role of this variant in disease. Therefore, it has been classified as a Variant of Uncertain Significance.

Ambry Genetics
Classification: Uncertain significance for Inborn genetic diseases. Last evaluated: 2023-11-18. Review status: criteria provided, single submitter. Criteria: Ambry Variant Classification Scheme 2023. Collection method: clinical testing. Allele origin: germline.

New York Genome Center
Classification: Uncertain significance. Last evaluated: 2019-12-02. Review status: criteria provided, single submitter. Criteria: NYGC Assertion Criteria 2020. Collection method: clinical testing. Allele origin: maternal. Affected: yes. Observed: 1 heterozygote. Study: CSER-NYCKidSeq.